The following is an entry in ClinVar:

ClinVar aggregate classification (germline): Uncertain significance (1 of 4 stars; one submission).

Allele frequency attached by ClinVar (database versions not stated): gnomAD exomes below 0.00001.
gnomAD v4.1: 1 of 1,614,156 alleles (0.000062%); highest among the groups gnomAD compares: Non-Finnish European, 0.000085%; no homozygotes.

Submission:

GeneDx
Classification: Uncertain significance. Last evaluated: 2018-05-23. Review status: criteria provided, single submitter. Criteria: GeneDx Variant Classification (06012015). Collection method: clinical testing. Allele origin: germline. Affected: yes.
Comment: A variant of uncertain significance has been identified in the CLN8 gene. The T162N variant has not been published as a pathogenic variant, nor has it been reported as a benign variant to our knowledge. The T162N variant is not observed in large population cohorts (Lek et al., 2016). However, the T162N variant is a conservative amino acid substitution, which is not likely to impact secondary protein structure as these residues share similar properties. In-silico analyses, including protein predictors and evolutionary conservation, support that this variant does not alter protein structure/function. Therefore, based on the currently available information, it is unclear whether this variant is a pathogenic variant or a rare benign variant.

NM_018941.4(CLN8):c.485C>A (p.Thr162Asn)

Gene: CLN8 (CLN8 transmembrane ER and ERGIC protein; plus strand). Cytogenetic location: 8p23.3.
Variant type: single nucleotide variant.
Coding change: c.485C>A on transcript NM_018941.4 (MANE Select); coding-DNA position 485, C replaced by A.
Protein change: p.Thr162Asn; replaces threonine 162 with asparagine.
Molecular consequence: missense variant.
Genome position (GRCh38, 1-based): chr8:1,771,539, C>A. VCF-style: chr8-1771539-C-A. GRCh37 (hg19) VCF-style: chr8-1719705-C-A.
Other names: short protein forms T162N.
Identifiers: ClinVar variation 546111 (VCV000546111.2), dbSNP rs1554449289, ClinGen allele CA369953662.